The following is an entry in ClinVar:

ClinVar aggregate classification (germline): Pathogenic (1 of 4 stars; one submission).

Conditions:
Birt-Hogg-Dube syndrome 1 (BHD1). Also called: FIBROFOLLICULOMAS WITH TRICHODISCOMAS AND ACROCHORDONS. Identifiers: Orphanet 122, MedGen CN375946, MONDO:0800445, OMIM 135150.

Submission:

Mendelics
Classification: Pathogenic for Birt-Hogg-Dube syndrome 1. Last evaluated: 2026-03-05. Review status: criteria provided, single submitter. Criteria: ACMG Guidelines, 2015. Collection method: clinical testing. Allele origin: unknown.
Comment: Likely pathogenic/Pathogenic according to ACMG criteria.

NM_144997.7(FLCN):c.1256_1257insT (p.Leu420fs)

Gene: FLCN (folliculin; minus strand). Cytogenetic location: 17p11.2.
Variant type: Insertion.
Coding change: c.1256_1257insT on transcript NM_144997.7 (MANE Select); coding-DNA positions 1256 to 1257, T inserted.
Protein change: p.Leu420fs; shifts the reading frame from leucine 420.
Molecular consequence: frameshift variant.
Genome position: GRCh38 VCF-style: chr17-17216423-C-CA. GRCh37 (hg19) VCF-style: chr17-17119737-C-CA.
Other names: c.1310_1311insT, p.Leu438fs (NM_001353229.2); c.1256_1257insT, p.Leu420fs (NM_001353230.2, NM_001353231.2); short protein forms L420fs, L438fs.
Identifiers: ClinVar variation 4813515 (VCV004813515.1).